The following is an entry in ClinVar:

ClinVar aggregate classification (germline): Likely pathogenic (1 of 4 stars; one submission).

Submission:

GeneDx
Classification: Likely pathogenic. Last evaluated: 2025-07-08. Review status: criteria provided, single submitter. Criteria: GeneDx Variant Classification Process June 2021. Collection method: clinical testing. Allele origin: germline.
Comment: Not observed at significant frequency in large population cohorts (gnomAD); In silico analysis supports that this missense variant has a deleterious effect on protein structure/function; Has not been previously published as pathogenic or benign to our knowledge; In silico analysis is inconclusive as to whether the variant alters gene splicing. In the absence of RNA/functional studies, the actual effect of this sequence change is unknown.

NM_003718.5(CDK13):c.2873G>A (p.Arg958Gln)

Gene: CDK13 (cyclin dependent kinase 13; plus strand). Cytogenetic location: 7p14.1.
Variant type: single nucleotide variant.
Coding change: c.2873G>A on transcript NM_003718.5 (MANE Select); coding-DNA position 2873, G replaced by A.
Protein change: p.Arg958Gln; replaces arginine 958 with glutamine.
Molecular consequence: missense variant.
Genome position (GRCh38, 1-based): chr7:40,078,097, G>A. VCF-style: chr7-40078097-G-A. GRCh37 (hg19) VCF-style: chr7-40117696-G-A.
Other names: c.2873G>A, p.Arg958Gln (NM_031267.4); short protein forms R958Q.
Identifiers: ClinVar variation 3769906 (VCV003769906.2).
Genomic context (GRCh38, chr7:40,078,097, plus strand): 5'-GGCCTGATGTAATCAAACTACCATATTTCAACACCATGAAACCAAAGAAGCAATATCGTC[G>A]AAAGTTAAGAGAAGAATTTGTTTTGTAAGAAGGGGATGTGTAAACATCCTTATTGCATGA-3'
Protein context (NP_003709.3, residues 948-968): NTMKPKKQYR[Arg958Gln]KLREEFVFIP